The following is an entry in ClinVar:

NM_019066.5(MAGEL2):c.1073C>T (p.Pro358Leu)

Gene: MAGEL2 (MAGE family member L2; minus strand). Cytogenetic location: 15q11.2.
Variant type: single nucleotide variant.
Coding change: c.1073C>T on transcript NM_019066.5 (MANE Select); coding-DNA position 1073, C replaced by T.
Protein change: p.Pro358Leu; replaces proline 358 with leucine.
Molecular consequence: missense variant.
Genome position (GRCh38, 1-based): chr15:23,646,670, G>A on the plus strand (C>T on the coding strand, the complement: MAGEL2 is on the minus strand). VCF-style: chr15-23646670-G-A. GRCh37 (hg19) VCF-style: chr15-23891817-G-A.
Other names: c.1073C>T (NM_019066.4); short protein forms P358L.
Identifiers: ClinVar variation 2013006 (VCV002013006.5), dbSNP rs2503982157, ClinGen allele CA391335230.

ClinVar aggregate classification (germline): Uncertain significance. Review status: criteria provided, multiple submitters, no conflicts (2 of 4 stars). 2 submissions from 2 submitters: Uncertain significance (2). Last evaluated 2026-03-11.

Conditions:
MAGEL2-related disorder. Also called: MAGEL2-related condition.

Submissions (2):

PreventionGenetics, part of Exact Sciences
Classification: Uncertain significance for MAGEL2-related condition. Last evaluated: 2026-03-11. Review status: criteria provided, single submitter. Criteria: ACMG Guidelines, 2015. Collection method: clinical testing. Allele origin: germline.
Comment: The MAGEL2 c.1073C>T variant is predicted to result in the amino acid substitution p.Pro358Leu. To our knowledge, this variant has not been reported in the literature or in a large population database (gnomAD), indicating this variant is rare. At this time, the clinical significance of this variant is uncertain due to the absence of conclusive functional and genetic evidence.

Labcorp Genetics (formerly Invitae), Labcorp
Classification: Uncertain significance. Last evaluated: 2022-07-07. Review status: criteria provided, single submitter. Criteria: Invitae Variant Classification Sherloc (09022015). Collection method: clinical testing. Allele origin: germline.
Comment: In summary, the available evidence is currently insufficient to determine the role of this variant in disease. Therefore, it has been classified as a Variant of Uncertain Significance. Experimental studies and prediction algorithms are not available or were not evaluated, and the functional significance of this variant is currently unknown. This variant has not been reported in the literature in individuals affected with MAGEL2-related conditions. This variant is not present in population databases (gnomAD no frequency). This sequence change replaces proline, which is neutral and non-polar, with leucine, which is neutral and non-polar, at codon 358 of the MAGEL2 protein (p.Pro358Leu).